The following is an entry in ClinVar:

ClinVar aggregate classification (germline): Uncertain significance. Review status: criteria provided, multiple submitters, no conflicts (2 of 4 stars). 2 submissions from 2 submitters: Uncertain significance (2). Last evaluated 2025-04-21.

Conditions:
Erythrocytosis, familial, 3 (ECYT3). Identifiers: Orphanet 247511, MedGen C1853286, MONDO:0012353, OMIM 609820.

Submissions (2):

ARUP Laboratories, Molecular Genetics and Genomics, ARUP Laboratories
Classification: Uncertain significance. Last evaluated: 2025-04-21. Review status: criteria provided, single submitter. Criteria: ARUP Molecular Germline Variant Investigation Process 2024. Collection method: clinical testing. Allele origin: germline.
Comment: The EGLN1 c.1097T>C; p.Phe366Ser variant, to our knowledge, is not reported in the medical literature or gene specific databases. This variant is also absent from the Genome Aggregation Database (v2.1.1), indicating it is not a common polymorphism. Computational analyses predict that this variant is deleterious (REVEL: 0.857). However, given the lack of clinical and functional data, the significance of this variant is uncertain at this time.

Labcorp Genetics (formerly Invitae), Labcorp
Classification: Uncertain significance for Erythrocytosis, familial, 3. Last evaluated: 2024-06-28. Review status: criteria provided, single submitter. Criteria: Invitae Variant Classification Sherloc (09022015). Collection method: clinical testing. Allele origin: germline.
Comment: This sequence change replaces phenylalanine, which is neutral and non-polar, with serine, which is neutral and polar, at codon 366 of the EGLN1 protein (p.Phe366Ser). This variant is not present in population databases (gnomAD no frequency). This variant has not been reported in the literature in individuals affected with EGLN1-related conditions. An algorithm developed to predict the effect of missense changes on protein structure and function (PolyPhen-2) suggests that this variant is likely to be disruptive. In summary, the available evidence is currently insufficient to determine the role of this variant in disease. Therefore, it has been classified as a Variant of Uncertain Significance.

NM_022051.3(EGLN1):c.1097T>C (p.Phe366Ser)

Gene: EGLN1 (egl-9 family hypoxia inducible factor 1; minus strand). Cytogenetic location: 1q42.2.
Variant type: single nucleotide variant.
Coding change: c.1097T>C on transcript NM_022051.3 (MANE Select); coding-DNA position 1097, T replaced by C.
Protein change: p.Phe366Ser; replaces phenylalanine 366 with serine.
Molecular consequence: missense variant. On other transcripts: intron variant (1).
Genome position (GRCh38, 1-based): chr1:231,370,613, A>G on the plus strand (T>C on the coding strand, the complement: EGLN1 is on the minus strand). VCF-style: chr1-231370613-A-G. GRCh37 (hg19) VCF-style: chr1-231506359-A-G.
Other names: c.1097T>C, p.Phe366Ser (NM_001377260.1); c.1012-2977T>C (NM_001377261.1); short protein forms F366S.
Identifiers: ClinVar variation 3625337 (VCV003625337.3).